The following is an entry in ClinVar:

NM_001017995.3(SH3PXD2B):c.1616G>A (p.Arg539Gln)

Gene: SH3PXD2B (SH3 and PX domains 2B; minus strand). Cytogenetic location: 5q35.1.
Variant type: single nucleotide variant.
Coding change: c.1616G>A on transcript NM_001017995.3 (MANE Select); coding-DNA position 1616, G replaced by A.
Protein change: p.Arg539Gln; replaces arginine 539 with glutamine.
Molecular consequence: missense variant. On other transcripts: intron variant (1).
Genome position (GRCh38, 1-based): chr5:172,339,489, C>T on the plus strand (G>A on the coding strand, the complement: SH3PXD2B is on the minus strand). VCF-style: chr5-172339489-C-T. GRCh37 (hg19) VCF-style: chr5-171766493-C-T.
Other names: c.1188+6647G>A (NM_001308175.2); short protein forms R539Q.
Identifiers: ClinVar variation 905800 (VCV000905800.11), dbSNP rs886239248, ClinGen allele CA132184099.

ClinVar aggregate classification (germline): Uncertain significance. Review status: criteria provided, multiple submitters, no conflicts (2 of 4 stars). 4 submissions from 4 submitters: Uncertain significance (4). Last evaluated 2025-09-10.

Conditions:
Inborn genetic diseases. Identifiers: MedGen C0950123, MeSH D030342.
Frank-Ter Haar syndrome. Also called: TER HAAR SYNDROME; MELNICK-NEEDLES SYNDROME, AUTOSOMAL RECESSIVE; Borrone di Rocco Crovato syndrome; BORRONE DERMATOCARDIOSKELETAL SYNDROME. Identifiers: Orphanet 1266, Orphanet 137834, MedGen C1855305, MONDO:0009579, OMIM 249420.

Allele frequency attached by ClinVar (database versions not stated): gnomAD exomes below 0.00001 and 0.00004; gnomAD 0.00001; TOPMed 0.00002.
gnomAD v4.1: 58 of 1,613,678 alleles (0.0036%); highest among the groups gnomAD compares: Non-Finnish European, 0.0046%; no homozygotes.

Submissions (4):

Ambry Genetics
Classification: Uncertain significance for Inborn genetic diseases. Last evaluated: 2025-09-10. Review status: criteria provided, single submitter. Criteria: Ambry Variant Classification Scheme 2023. Collection method: clinical testing. Allele origin: germline.

GeneDx
Classification: Uncertain significance. Last evaluated: 2025-07-14. Review status: criteria provided, single submitter. Criteria: GeneDx Variant Classification Process June 2021. Collection method: clinical testing. Allele origin: germline. Affected: yes.
Comment: Has not been previously published as pathogenic or benign to our knowledge; Not observed at significant frequency in large population cohorts (gnomAD); In silico analysis suggests that this missense variant does not alter protein structure/function

Labcorp Genetics (formerly Invitae), Labcorp
Classification: Uncertain significance. Last evaluated: 2021-10-20. Review status: criteria provided, single submitter. Criteria: Invitae Variant Classification Sherloc (09022015). Collection method: clinical testing. Allele origin: germline.
Comment: This sequence change replaces arginine with glutamine at codon 539 of the SH3PXD2B protein (p.Arg539Gln). The arginine residue is weakly conserved and there is a small physicochemical difference between arginine and glutamine. This variant is not present in population databases (ExAC no frequency). This variant has not been reported in the literature in individuals affected with SH3PXD2B-related conditions. ClinVar contains an entry for this variant (Variation ID: 905800). Algorithms developed to predict the effect of missense changes on protein structure and function are either unavailable or do not agree on the potential impact of this missense change (SIFT: "Deleterious"; PolyPhen-2: "Benign"; Align-GVGD: "Class C0"). In summary, the available evidence is currently insufficient to determine the role of this variant in disease. Therefore, it has been classified as a Variant of Uncertain Significance.

Illumina Laboratory Services, Illumina
Classification: Uncertain significance for Frank-Ter Haar syndrome. Last evaluated: 2018-01-13. Review status: criteria provided, single submitter. Criteria: ICSL Variant Classification Criteria 13 December 2019. Collection method: clinical testing. Allele origin: germline.